The following is an entry in ClinVar:

ClinVar aggregate classification (germline): Uncertain significance (1 of 4 stars; one submission).

Conditions:
Charcot-Marie-Tooth disease axonal type 2C (HMSN2C). Also called: CHARCOT-MARIE-TOOTH DISEASE, AXONAL, AUTOSOMAL DOMINANT, TYPE 2C; Charcot-Marie-Tooth Neuropathy Type 2C; Charcot-Marie-Tooth Disease Type 2, TRPV4-Related (CMT2C). Identifiers: Orphanet 99937, MedGen C1853710, MONDO:0011633, OMIM 606071.

Submission:

Labcorp Genetics (formerly Invitae), Labcorp
Classification: Uncertain significance for Charcot-Marie-Tooth disease axonal type 2C. Last evaluated: 2024-07-22. Review status: criteria provided, single submitter. Criteria: Invitae Variant Classification Sherloc (09022015). Collection method: clinical testing. Allele origin: germline.
Comment: This sequence change replaces isoleucine, which is neutral and non-polar, with phenylalanine, which is neutral and non-polar, at codon 545 of the TRPV4 protein (p.Ile545Phe). This variant is not present in population databases (gnomAD no frequency). This variant has not been reported in the literature in individuals affected with TRPV4-related conditions. Advanced modeling of protein sequence and biophysical properties (such as structural, functional, and spatial information, amino acid conservation, physicochemical variation, residue mobility, and thermodynamic stability) performed at Invitae indicates that this missense variant is not expected to disrupt TRPV4 protein function with a negative predictive value of 95%. In summary, the available evidence is currently insufficient to determine the role of this variant in disease. Therefore, it has been classified as a Variant of Uncertain Significance.

NM_021625.5(TRPV4):c.1633A>T (p.Ile545Phe)

Gene: TRPV4 (transient receptor potential cation channel subfamily V member 4; minus strand). Cytogenetic location: 12q24.11.
Variant type: single nucleotide variant.
Coding change: c.1633A>T on transcript NM_021625.5 (MANE Select); coding-DNA position 1633, A replaced by T.
Protein change: p.Ile545Phe; replaces isoleucine 545 with phenylalanine.
Molecular consequence: missense variant.
Genome position (GRCh38, 1-based): chr12:109,793,552, T>A on the plus strand (A>T on the coding strand, the complement: TRPV4 is on the minus strand). VCF-style: chr12-109793552-T-A. GRCh37 (hg19) VCF-style: chr12-110231357-T-A.
Other names: c.1453A>T, p.Ile485Phe (NM_147204.3); c.1492A>T, p.Ile498Phe (NM_001177428.2); c.1531A>T, p.Ile511Phe (NM_001177431.2); c.1312A>T, p.Ile438Phe (NM_001177433.2); short protein forms I498F, I545F, I485F, I438F, I511F.
Identifiers: ClinVar variation 3637645 (VCV003637645.2).